The following is an entry in ClinVar:

NM_007217.4(PDCD10):c.226T>G (p.Phe76Val)

Gene: PDCD10 (programmed cell death 10; minus strand). Cytogenetic location: 3q26.1.
Variant type: single nucleotide variant.
Coding change: c.226T>G on transcript NM_007217.4 (MANE Select); coding-DNA position 226, T replaced by G.
Protein change: p.Phe76Val; replaces phenylalanine 76 with valine.
Molecular consequence: missense variant.
Genome position (GRCh38, 1-based): chr3:167,697,051, A>C on the plus strand (T>G on the coding strand, the complement: PDCD10 is on the minus strand). VCF-style: chr3-167697051-A-C. GRCh37 (hg19) VCF-style: chr3-167414839-A-C.
Other names: c.226T>G (NM_145860.1); c.226T>G, p.Phe76Val (NM_145859.2, NM_145860.2); short protein forms F76V.
Identifiers: ClinVar variation 3389690 (VCV003389690.14).

ClinVar aggregate classification (germline): Uncertain significance. Review status: criteria provided, multiple submitters, no conflicts (2 of 4 stars). 2 submissions from 2 submitters: Uncertain significance (2). Last evaluated 2025-11-07.

Conditions:
Inborn genetic diseases. Identifiers: MedGen C0950123, MeSH D030342.

Submissions (2):

Ambry Genetics
Classification: Uncertain significance for Inborn genetic diseases. Last evaluated: 2025-11-07. Review status: criteria provided, single submitter. Criteria: Ambry Variant Classification Scheme 2023. Collection method: clinical testing. Allele origin: germline.

CeGaT Center for Human Genetics Tuebingen
Classification: Uncertain significance. Last evaluated: 2024-09-01. Review status: criteria provided, single submitter. Criteria: CeGaT Center For Human Genetics Tuebingen Variant Classification Criteria Version 2. Collection method: clinical testing. Allele origin: germline. Affected: yes. Observed: 1 variant allele.
Comment: PDCD10: PM2